The following is an entry in ClinVar:

NM_015015.3(KDM4B):c.710C>A (p.Ala237Asp)

Gene: KDM4B (lysine demethylase 4B; plus strand). Cytogenetic location: 19p13.3.
Variant type: single nucleotide variant.
Coding change: c.710C>A on transcript NM_015015.3 (MANE Select); coding-DNA position 710, C replaced by A.
Protein change: p.Ala237Asp; replaces alanine 237 with aspartic acid.
Molecular consequence: missense variant.
Genome position (GRCh38, 1-based): chr19:5,077,400, C>A. VCF-style: chr19-5077400-C-A. GRCh37 (hg19) VCF-style: chr19-5077411-C-A.
Other names: c.710C>A, p.Ala237Asp (NM_001370093.1, NM_001370094.1, NM_001411148.1); short protein forms A237D.
Identifiers: ClinVar variation 4074486 (VCV004074486.1).
Genomic context (GRCh38, chr19:5,077,400, plus strand): 5'-GACTGACGTCTGTCTTTTCGGCCCTAGGCTTCTTCCCCGGGAGCTCGCAGGGCTGCGACG[C>A]CTTCCTGCGGCATAAGATGACCCTCATCTCGCCCATCATCCTGAAGAAGTACGGGATCCC-3'
Protein context (NP_055830.1, residues 227-247): FFPGSSQGCD[Ala237Asp]FLRHKMTLIS

ClinVar aggregate classification (germline): Uncertain significance (1 of 4 stars; one submission).

Submission:

GeneDx
Classification: Uncertain significance. Last evaluated: 2025-02-06. Review status: criteria provided, single submitter. Criteria: GeneDx Variant Classification Process June 2021. Collection method: clinical testing. Allele origin: germline. Affected: yes.
Comment: Not observed at significant frequency in large population cohorts (gnomAD); In silico analysis supports that this missense variant has a deleterious effect on protein structure/function; Has not been previously published as pathogenic or benign to our knowledge